The following is an entry in ClinVar:

NM_000158.4(GBE1):c.1460A>G (p.Asp487Gly)

Gene: GBE1 (1,4-alpha-glucan branching enzyme 1; minus strand). Cytogenetic location: 3p12.2.
Variant type: single nucleotide variant.
Coding change: c.1460A>G on transcript NM_000158.4 (MANE Select); coding-DNA position 1460, A replaced by G.
Protein change: p.Asp487Gly; replaces aspartic acid 487 with glycine.
Molecular consequence: missense variant.
Genome position (GRCh38, 1-based): chr3:81,578,083, T>C on the plus strand (A>G on the coding strand, the complement: GBE1 is on the minus strand). VCF-style: chr3-81578083-T-C. GRCh37 (hg19) VCF-style: chr3-81627234-T-C.
Other names: short protein forms D487G.
Identifiers: ClinVar variation 235808 (VCV000235808.4), dbSNP rs747404758, ClinGen allele CA2499643.
Genomic context (GRCh38, chr3:81,578,083, plus strand): 5'-GTCAGGACACTCATGTTTGTATACATTTCGGCATCCATCAACCAAAATGCCAGCGACTTA[T>C]CCCCAACCAATGCCTACAGAAATAAAAGTAATGGAGATAAATGAAAAAAAAAAGTGCTAA-3'
Protein context (NP_000149.4, residues 477-497): AESHDQALVG[Asp487Gly]KSLAFWLMDA

ClinVar aggregate classification (germline): Uncertain significance. Review status: criteria provided, single submitter (1 of 4 stars). 2 submissions from 2 submitters: Uncertain significance (1). 1 of the submissions does not count toward it. Last evaluated 2015-03-05.

Conditions:
Glycogen storage disease, type IV (GSD4). Also called: Glycogen storage disease due to glycogen branching enzyme deficiency; AMYLOPECTINOSIS; ANDERSEN DISEASE; BRANCHER DEFICIENCY; CIRRHOSIS, FAMILIAL, WITH DEPOSITION OF ABNORMAL GLYCOGEN; GBE1 DEFICIENCY. Identifiers: Orphanet 367, MedGen C0017923, MONDO:0009292, OMIM 232500.

Allele frequency attached by ClinVar (database versions not stated): ExAC 0.00001; TOPMed 0.00001; gnomAD 0.00003.
gnomAD v4.1: 3 of 1,599,636 alleles (0.00019%); highest among the groups gnomAD compares: Non-Finnish European, 0.00026%; no homozygotes.

Submissions (2):

Center for Pediatric Genomic Medicine, Children's Mercy Hospital and Clinics
Classification: Uncertain significance. Last evaluated: 2015-03-05. Review status: criteria provided, single submitter. Criteria: ACMG Guidelines, 2015. Collection method: clinical testing. Allele origin: germline.
ClinVar note: Converted during submission from Uncertain Significance to Uncertain significance.

Natera, Inc.
Classification: Uncertain significance for Glycogen storage disease type IV. Last evaluated: 2021-10-15. Review status: no assertion criteria provided. Collection method: clinical testing. Allele origin: germline. Not counted in ClinVar's aggregate classification.